The following is an entry in ClinVar:

ClinVar aggregate classification (germline): Pathogenic (1 of 4 stars; one submission).

Conditions:
Autism, susceptibility to, X-linked 5 (AUTSX5). Identifiers: MedGen C3275438, MONDO:0010449, OMIM 300847.
Intellectual developmental disorder, X-linked, syndromic 35. Also called: Intellectual disability, X-linked, syndromic, 35. Identifiers: MedGen C4478383, MONDO:0030908, OMIM 300998.

Submission:

GeneDx
Classification: Pathogenic. Last evaluated: 2026-09-03. Review status: criteria provided, single submitter. Criteria: GeneDx Variant Classification Process June 2021. Collection method: clinical testing. Allele origin: germline.
Comment: In silico analysis supports that this missense variant has a deleterious effect on protein structure/function; Not observed at significant frequency in large population cohorts (gnomAD); This variant is associated with the following publications: (PMID: 33504798, 33057194, 35982159, 31785789)

NM_006013.5(RPL10):c.283C>T (p.His95Tyr)

Gene: RPL10 (ribosomal protein L10; plus strand). Cytogenetic location: Xq28.
Variant type: single nucleotide variant.
Coding change: c.283C>T on transcript NM_006013.5 (MANE Select); coding-DNA position 283, C replaced by T.
Protein change: p.His95Tyr; replaces histidine 95 with tyrosine.
Molecular consequence: missense variant.
Genome position (GRCh38, 1-based): chrX:154,399,895, C>T. VCF-style: chrX-154399895-C-T. GRCh37 (hg19) VCF-style: chrX-153628236-C-T.
Other names: c.283C>T, p.His95Tyr (NM_001256577.2, NM_001303624.2, NM_001303625.1 and 1 more transcripts); c.175C>T, p.His59Tyr (NM_001256580.2); c.283C>T (NM_006013.4); short protein forms H59Y, H95Y.
Identifiers: ClinVar variation 3342312 (VCV003342312.3).